The following is an entry in ClinVar:

NM_000057.4(BLM):c.44G>A (p.Arg15His)

Gene: BLM (BLM RecQ like helicase; plus strand). Cytogenetic location: 15q26.1.
Variant type: single nucleotide variant.
Coding change: c.44G>A on transcript NM_000057.4 (MANE Select); coding-DNA position 44, G replaced by A.
Protein change: p.Arg15His; replaces arginine 15 with histidine.
Molecular consequence: missense variant. On other transcripts: 5 prime UTR variant (1).
Genome position (GRCh38, 1-based): chr15:90,747,436, G>A. VCF-style: chr15-90747436-G-A. GRCh37 (hg19) VCF-style: chr15-91290666-G-A.
Other names: c.44G>A (LRG_20t1); c.44G>A, p.Arg15His (NM_001287246.2, NM_001287247.2); c.-1248G>A (NM_001287248.2); short protein forms R15H.
Identifiers: ClinVar variation 405329 (VCV000405329.22), dbSNP rs752755503, ClinGen allele CA7738229.

ClinVar aggregate classification (germline): Uncertain significance. Review status: criteria provided, multiple submitters, no conflicts (2 of 4 stars). 8 submissions from 8 submitters: Uncertain significance (7). 1 of the submissions does not count toward it. Last evaluated 2025-12-03.

Conditions:
Hereditary cancer-predisposing syndrome. Also called: Hereditary Cancer Syndrome; Hereditary neoplastic syndrome; Neoplastic Syndromes, Hereditary; Tumor predisposition. Identifiers: Orphanet 140162, MedGen C0027672, MeSH D009386, MONDO:0015356.
Hereditary cancer. Identifiers: MedGen C1333600.
Bloom syndrome (BLM). Also called: Bloom-Torre-Machacek syndrome. Identifiers: Orphanet 125, MedGen C0005859, MONDO:0008876, OMIM 210900.

Allele frequency attached by ClinVar (database versions not stated): gnomAD 0.00001; TOPMed 0.00002; gnomAD exomes 0.00003; ExAC 0.00004.
gnomAD v4.1: 36 of 1,611,580 alleles (0.0022%); highest among the groups gnomAD compares: Admixed American, 0.01%; no homozygotes.

Submissions (8):

Labcorp Genetics (formerly Invitae), Labcorp
Classification: Uncertain significance for Bloom syndrome. Last evaluated: 2025-12-03. Review status: criteria provided, single submitter. Criteria: Invitae Variant Classification Sherloc (09022015). Collection method: clinical testing. Allele origin: germline.
Comment: This sequence change replaces arginine, which is basic and polar, with histidine, which is basic and polar, at codon 15 of the BLM protein (p.Arg15His). This variant is present in population databases (rs752755503, gnomAD 0.009%). This variant has not been reported in the literature in individuals affected with BLM-related conditions. ClinVar contains an entry for this variant (Variation ID: 405329). An algorithm developed to predict the effect of missense changes on protein structure and function (PolyPhen-2) suggests that this variant is likely to be disruptive. In summary, the available evidence is currently insufficient to determine the role of this variant in disease. Therefore, it has been classified as a Variant of Uncertain Significance.

Quest Diagnostics Nichols Institute San Juan Capistrano
Classification: Uncertain significance. Last evaluated: 2025-07-31. Review status: criteria provided, single submitter. Criteria: Quest Diagnostics criteria. Collection method: clinical testing. Allele origin: unknown.
Comment: The BLM c.44G>A (p.Arg15His) variant has not been reported in individuals with BLM-related conditions in the published literature. The frequency of this variant in the general population (Genome Aggregation Database) is uninformative in the assessment of its pathogenicity. Analysis of this variant using bioinformatics tools for the prediction of the effect of amino acid changes on protein structure and function yielded conflicting predictions that this variant is benign or damaging. Based on the available information, we are unable to determine the clinical significance of this variant.

Mendelics
Classification: Uncertain significance for Hereditary cancer. Last evaluated: 2025-06-23. Review status: criteria provided, single submitter. Criteria: ACMG Guidelines, 2015. Collection method: clinical testing. Allele origin: unknown.
Comment: The available evidence is insufficient to conclusively determine the role of this variant. Therefore, it is classified as a Variant of Uncertain Significance.

Ambry Genetics
Classification: Uncertain significance for Hereditary cancer-predisposing syndrome. Last evaluated: 2024-01-11. Review status: criteria provided, single submitter. Criteria: Ambry Variant Classification Scheme 2023. Collection method: clinical testing. Allele origin: germline.
Comment: The p.R15H variant (also known as c.44G>A), located in coding exon 1 of the BLM gene, results from a G to A substitution at nucleotide position 44. The arginine at codon 15 is replaced by histidine, an amino acid with highly similar properties. This amino acid position is well conserved in available vertebrate species. In addition, this alteration is predicted to be tolerated by in silico analysis. Since supporting evidence is limited at this time, the clinical significance of this alteration remains unclear.

GeneDx
Classification: Uncertain significance. Last evaluated: 2022-06-01. Review status: criteria provided, single submitter. Criteria: GeneDx Variant Classification Process June 2021. Collection method: clinical testing. Allele origin: germline. Affected: yes.
Comment: Not observed at significant frequency in large population cohorts (gnomAD); In silico analysis supports that this missense variant does not alter protein structure/function; Has not been previously published as pathogenic or benign to our knowledge

Institute for Clinical Genetics, University Hospital TU Dresden, University Hospital TU Dresden
Classification: Uncertain significance. Last evaluated: 2021-11-03. Review status: criteria provided, single submitter. Criteria: ACMG Guidelines, 2015. Collection method: clinical testing. Allele origin: germline.

Women's Health and Genetics/Laboratory Corporation of America, LabCorp
Classification: Uncertain significance. Last evaluated: 2018-08-31. Review status: criteria provided, single submitter. Criteria: LabCorp Variant Classification Summary - May 2015. Collection method: clinical testing. Allele origin: germline.
Comment: Variant summary: BLM c.44G>A (p.Arg15His) results in a non-conservative amino acid change located in the N-terminal domain (IPR032437) of the encoded protein sequence. Three of five in-silico tools predict a damaging effect of the variant on protein function. The variant allele was found at a frequency of 2.9e-05 in 242622 control chromosomes (gnomAD). The available data on variant occurrences in the general population are insufficient to allow any conclusion about variant significance. To our knowledge, no occurrence of c.44G>A in individuals affected with Bloom Syndrome and no experimental evidence demonstrating its impact on protein function have been reported. One other clinical diagnostic laboratory has submitted clinical-significance assessments for this variant to ClinVar after 2014 without evidence for independent evaluation, and classified the variant as uncertain significance. Based on the evidence outlined above, the variant was classified as uncertain significance.

Natera, Inc.
Classification: Uncertain significance for Bloom syndrome. Last evaluated: 2018-10-09. Review status: no assertion criteria provided. Collection method: clinical testing. Allele origin: germline. Not counted in ClinVar's aggregate classification.